The following is an entry in ClinVar:

ClinVar aggregate classification (germline): Benign (0 of 4 stars; one submission).

Conditions:
DDX54-related disorder. Also called: DDX54-related condition.

Allele frequency attached by ClinVar (database versions not stated): ESP Exome Variant Server 0.05432; TOPMed 0.09972; gnomAD 0.10157; 1000 Genomes Project 30x 0.12680; 1000 Genomes Project 0.12979.
gnomAD v4.1: 123,152 of 1,511,242 alleles (8.1%); highest among the groups gnomAD compares: East Asian, 24%; 6,123 homozygotes.

Submission:

PreventionGenetics, part of Exact Sciences
Classification: Benign for DDX54-related condition. Last evaluated: 2019-11-11. Review status: no assertion criteria provided. Collection method: clinical testing. Allele origin: germline.
Comment: This variant is classified as benign based on ACMG/AMP sequence variant interpretation guidelines (Richards et al. 2015 PMID: 25741868, with internal and published modifications).

NM_024072.4(DDX54):c.16G>C (p.Gly6Arg)

Gene: DDX54 (DEAD-box helicase 54; minus strand). Cytogenetic location: 12q24.13.
Variant type: single nucleotide variant.
Coding change: c.16G>C on transcript NM_024072.4 (MANE Select); coding-DNA position 16, G replaced by C.
Protein change: p.Gly6Arg; replaces glycine 6 with arginine.
Molecular consequence: missense variant.
Genome position (GRCh38, 1-based): chr12:113,185,436, C>G on the plus strand (G>C on the coding strand, the complement: DDX54 is on the minus strand). VCF-style: chr12-113185436-C-G. GRCh37 (hg19) VCF-style: chr12-113623241-C-G.
Other names: c.16G>C, p.Gly6Arg (NM_001111322.2); short protein forms G6R.
Identifiers: ClinVar variation 3057131 (VCV003057131.2), dbSNP rs2290766, ClinGen allele CA6804169.
Genomic context (GRCh38, chr12:113,185,436, plus strand): 5'-GCCCTTTCTTCTTCCTCCACTGGGCCATGGCAGCTCGCGACCGAGGTCCAGCCGCCGGGC[C>G]CTTGTCGGCCGCCATTCGGGCCGCGCGCTGGGAACGCAGAAGGGGGCGTGGCCTGAGGAG-3'
Protein context (NP_076977.3, residues 1-16): MAADK[Gly6Arg]PAAGPRSRAA